The following is an entry in ClinVar:

ClinVar aggregate classification (germline): Uncertain significance (1 of 4 stars; one submission).

Submission:

GeneDx
Classification: Uncertain significance. Last evaluated: 2024-03-27. Review status: criteria provided, single submitter. Criteria: GeneDx Variant Classification Process June 2021. Collection method: clinical testing. Allele origin: germline. Affected: yes.
Comment: Not observed at significant frequency in large population cohorts (gnomAD); In silico analysis supports that this missense variant has a deleterious effect on protein structure/function; Has not been previously published as pathogenic or benign to our knowledge

NM_001257180.2(SLC20A2):c.97T>C (p.Phe33Leu)

Gene: SLC20A2 (solute carrier family 20 member 2; minus strand). Cytogenetic location: 8p11.21.
Variant type: single nucleotide variant.
Coding change: c.97T>C on transcript NM_001257180.2 (MANE Select); coding-DNA position 97, T replaced by C.
Protein change: p.Phe33Leu; replaces phenylalanine 33 with leucine.
Molecular consequence: missense variant.
Genome position (GRCh38, 1-based): chr8:42,472,294, A>G on the plus strand (T>C on the coding strand, the complement: SLC20A2 is on the minus strand). VCF-style: chr8-42472294-A-G. GRCh37 (hg19) VCF-style: chr8-42329812-A-G.
Other names: c.97T>C, p.Phe33Leu (NM_001257181.2, NM_006749.5); short protein forms F33L.
Identifiers: ClinVar variation 3371266 (VCV003371266.1).